The following is an entry in ClinVar:

ClinVar aggregate classification (germline): Uncertain significance (1 of 4 stars; one submission).

Submission:

Labcorp Genetics (formerly Invitae), Labcorp
Classification: Uncertain significance. Last evaluated: 2023-05-18. Review status: criteria provided, single submitter. Criteria: Invitae Variant Classification Sherloc (09022015). Collection method: clinical testing. Allele origin: germline.
Comment: In summary, the available evidence is currently insufficient to determine the role of this variant in disease. Therefore, it has been classified as a Variant of Uncertain Significance. Advanced modeling of protein sequence and biophysical properties (such as structural, functional, and spatial information, amino acid conservation, physicochemical variation, residue mobility, and thermodynamic stability) performed at Invitae indicates that this missense variant is not expected to disrupt RHOBTB2 protein function. This variant has not been reported in the literature in individuals affected with RHOBTB2-related conditions. This variant is not present in population databases (gnomAD no frequency). This sequence change replaces isoleucine, which is neutral and non-polar, with valine, which is neutral and non-polar, at codon 53 of the RHOBTB2 protein (p.Ile53Val).

NM_015178.3(RHOBTB2):c.91A>G (p.Ile31Val)

Gene: RHOBTB2 (Rho related BTB domain containing 2; plus strand). Cytogenetic location: 8p21.3.
Variant type: single nucleotide variant.
Coding change: c.91A>G on transcript NM_015178.3 (MANE Select); coding-DNA position 91, A replaced by G.
Protein change: p.Ile31Val; replaces isoleucine 31 with valine.
Molecular consequence: missense variant.
Genome position (GRCh38, 1-based): chr8:23,004,525, A>G. VCF-style: chr8-23004525-A-G. GRCh37 (hg19) VCF-style: chr8-22862038-A-G.
Other names: c.157A>G, p.Ile53Val (NM_001160036.2); c.112A>G, p.Ile38Val (NM_001160037.2); c.91A>G, p.Ile31Val (NM_001374791.1); short protein forms I31V, I53V, I38V.
Identifiers: ClinVar variation 2836517 (VCV002836517.3), dbSNP rs2486993235, ClinGen allele CA370558277.